The following is an entry in ClinVar:

ClinVar aggregate classification (germline): Pathogenic. Review status: criteria provided, multiple submitters, no conflicts (2 of 4 stars). 2 submissions from 2 submitters: Pathogenic (2). Last evaluated 2024-10-21.

Conditions:
Microcephaly 5, primary, autosomal recessive (MCPH5). Also called: ASPM Primary Microcephaly. Identifiers: Orphanet 2512, MedGen C1837501, MONDO:0012106, OMIM 608716.

Submissions (2):

Labcorp Genetics (formerly Invitae), Labcorp
Classification: Pathogenic. Last evaluated: 2024-10-21. Review status: criteria provided, single submitter. Criteria: Invitae Variant Classification Sherloc (09022015). Collection method: clinical testing. Allele origin: germline.
Comment: This sequence change creates a premature translational stop signal (p.Lys576Alafs*10) in the ASPM gene. It is expected to result in an absent or disrupted protein product. Loss-of-function variants in ASPM are known to be pathogenic (PMID: 19028728, 23611254). This variant is not present in population databases (gnomAD no frequency). This premature translational stop signal has been observed in individual(s) with clinical suspicion of ASPM-related conditions (PMID: 23611254). ClinVar contains an entry for this variant (Variation ID: 157785). For these reasons, this variant has been classified as Pathogenic.

Genetic Services Laboratory, University of Chicago
Classification: Pathogenic for Microcephaly 5, primary, autosomal recessive. Last evaluated: 2013-02-08. Review status: criteria provided, single submitter. Criteria: ACMG Guidelines, 2007. Collection method: clinical testing. Allele origin: germline. Inheritance: Autosomal recessive inheritance. Affected: yes.

Literature cited by the submitters: PubMed 19028728 (cited by Labcorp Genetics (formerly Invitae), Labcorp); PubMed 23611254 (cited by Labcorp Genetics (formerly Invitae), Labcorp).

NM_018136.5(ASPM):c.1726_1729del (p.Lys576fs)

Gene: ASPM (assembly factor for spindle microtubules; minus strand). Cytogenetic location: 1q31.3.
Variant type: Microsatellite.
Coding change: c.1726_1729del on transcript NM_018136.5 (MANE Select); coding-DNA positions 1726 to 1729, 4 bases deleted (AAGA; older notation c.1726_1729delAAGA).
Protein change: p.Lys576fs; shifts the reading frame from lysine 576.
Molecular consequence: frameshift variant.
Genome position (GRCh38, 1-based): chr1:197,142,523-197,142,526, TCTT deleted on the plus strand (AAGA on the coding strand, the reverse complement: ASPM is on the minus strand); deleting any 4 consecutive bases within chr1:197,142,523-197,142,531 gives the same sequence; the c. name uses the placement nearest the transcript's 3' end. VCF-style (leftmost placement, unchanged base first): chr1-197142522-CTCTT-C. GRCh37 (hg19) VCF-style: chr1-197111652-CTCTT-C.
Other names: c.1726_1729del, p.Lys576fs (NM_001206846.2); short protein forms K576fs.
Identifiers: ClinVar variation 157785 (VCV000157785.9), dbSNP rs587783221, ClinGen allele CA271008.